The following is an entry in ClinVar:

NM_000548.5(TSC2):c.1341G>T (p.Ala447=)

Gene: TSC2 (TSC complex subunit 2; plus strand). Cytogenetic location: 16p13.3.
Variant type: single nucleotide variant.
Coding change: c.1341G>T on transcript NM_000548.5 (MANE Select); coding-DNA position 1341, G replaced by T.
Protein change: p.Ala447=; no amino-acid change (alanine 447 retained).
Molecular consequence: synonymous variant.
Genome position (GRCh38, 1-based): chr16:2,062,580, G>T. VCF-style: chr16-2062580-G-T. GRCh37 (hg19) VCF-style: chr16-2112581-G-T.
Other names: c.1341G>T, p.Ala447= (NM_001077183.3, NM_001114382.3, NM_001363528.2 and 3 more transcripts); c.1230G>T, p.Ala410= (NM_001318827.2); c.1194G>T, p.Ala398= (NM_001318829.2); c.741G>T, p.Ala247= (NM_001318831.2); c.1374G>T, p.Ala458= (NM_001318832.2).
Identifiers: ClinVar variation 1138694 (VCV001138694.14), dbSNP rs141609319, ClinGen allele CA276777828.

ClinVar aggregate classification (germline): Benign/Likely benign. Review status: criteria provided, multiple submitters, no conflicts (2 of 4 stars). 5 submissions from 5 submitters: Benign (1); Likely benign (4). Last evaluated 2025-10-18.

Conditions:
Tuberous sclerosis 2 (TSC2). Identifiers: Orphanet 805, MedGen C1860707, MONDO:0013199, OMIM 613254.
Tuberous sclerosis syndrome (TSC). Also called: Tuberous Sclerosis Complex; Tuberous sclerosis. Identifiers: Orphanet 805, MedGen C0041341, MONDO:0001734.
Isolated focal cortical dysplasia type II (FCORD2). Also called: Focal cortical dysplasia type II; CORTICAL DYSPLASIA OF TAYLOR. Identifiers: Orphanet 268994, MedGen C1846385, MONDO:0011818, OMIM 607341, HP:0032051.
Lymphangiomyomatosis (LAM). Also called: Lymphangioleiomyomatosis; Lymphangioleiomyomatosis, somatic. Identifiers: Orphanet 538, MedGen C0751674, MONDO:0011705, OMIM 606690.
Hereditary cancer-predisposing syndrome. Also called: Neoplastic Syndromes, Hereditary; Hereditary neoplastic syndrome; Tumor predisposition; Hereditary Cancer Syndrome. Identifiers: Orphanet 140162, MedGen C0027672, MeSH D009386, MONDO:0015356.

gnomAD v4.1: 2 of 1,610,102 alleles (0.00012%); highest among the groups gnomAD compares: African/African-American, 0.0013%; no homozygotes.

Submissions (5):

Labcorp Genetics (formerly Invitae), Labcorp
Classification: Likely benign for Tuberous sclerosis 2. Last evaluated: 2025-10-18. Review status: criteria provided, single submitter. Criteria: Invitae Variant Classification Sherloc (09022015). Collection method: clinical testing. Allele origin: germline.

Myriad Genetics, Inc.
Classification: Benign for Tuberous sclerosis 2. Last evaluated: 2025-05-13. Review status: criteria provided, single submitter. Criteria: Myriad Autosomal Dominant, Autosomal Recessive and X-Linked Classification Criteria (2023). Collection method: clinical testing. Allele origin: unknown.
Comment: This variant is considered benign. This variant is a silent/synonymous amino acid change and it is not expected to impact splicing.

All of Us Research Program, National Institutes of Health
Classification: Likely benign for Tuberous sclerosis syndrome. Last evaluated: 2024-07-10. Review status: criteria provided, single submitter. Criteria: ACMG Guidelines, 2015. Collection method: clinical testing. Allele origin: germline. Inheritance: Autosomal dominant inheritance. Observed: 2 variant alleles, 2 heterozygotes.
Comment: This study involves interpretation of variants in research participants for the purpose of population health screening. Participant phenotype was not available at the time of variant classification. Additional details can be found in publication PMID: 35346344, PMCID: PMC8962531

Ambry Genetics
Classification: Likely benign for Hereditary cancer-predisposing syndrome. Last evaluated: 2022-07-25. Review status: criteria provided, single submitter. Criteria: Ambry Variant Classification Scheme 2023. Collection method: clinical testing. Allele origin: germline.

Fulgent Genetics
Classification: Likely benign for Lymphangiomyomatosis; Isolated focal cortical dysplasia type II; Tuberous sclerosis 2. Last evaluated: 2022-04-20. Review status: criteria provided, single submitter. Criteria: ACMG Guidelines, 2015. Collection method: clinical testing. Allele origin: unknown.